The following is an entry in ClinVar:

ClinVar aggregate classification (germline): Likely benign. Review status: criteria provided, multiple submitters, no conflicts (2 of 4 stars). 2 submissions from 2 submitters: Likely benign (2). Last evaluated 2025-10-12.

Conditions:
Bardet-Biedl syndrome (BBS). Identifiers: Orphanet 110, MedGen C0752166, MONDO:0015229.

Allele frequency attached by ClinVar (database versions not stated): ExAC 0.00001; gnomAD exomes 0.00001.
gnomAD v4.1: 3 of 1,614,112 alleles (0.00019%); highest among the groups gnomAD compares: Admixed American, 0.0033%; no homozygotes.

Submissions (2):

Labcorp Genetics (formerly Invitae), Labcorp
Classification: Likely benign for Bardet-Biedl syndrome. Last evaluated: 2025-10-12. Review status: criteria provided, single submitter. Criteria: Invitae Variant Classification Sherloc (09022015). Collection method: clinical testing. Allele origin: germline.

CeGaT Center for Human Genetics Tuebingen
Classification: Likely benign. Last evaluated: 2022-10-01. Review status: criteria provided, single submitter. Criteria: CeGaT Center For Human Genetics Tuebingen Variant Classification Criteria Version 2. Collection method: clinical testing. Allele origin: germline. Affected: yes. Observed: 1 variant allele.
Comment: TRIM32: BP4, BP7

NM_012210.4(TRIM32):c.375G>A (p.Glu125=)

Genes: ASTN2 (astrotactin 2; minus strand), TRIM32 (tripartite motif containing 32; plus strand). Cytogenetic location: 9q33.1.
Variant type: single nucleotide variant.
Coding change: c.375G>A on transcript NM_012210.4 (MANE Select); coding-DNA position 375, G replaced by A.
Protein change: p.Glu125=; no amino-acid change (glutamic acid 125 retained).
Molecular consequence: synonymous variant. On other transcripts: intron variant (3).
Genome position (GRCh38, 1-based): chr9:116,698,117, G>A. VCF-style: chr9-116698117-G-A. GRCh37 (hg19) VCF-style: chr9-119460396-G-A.
Other names: c.375G>A, p.Glu125= (NM_001099679.2, NM_001379048.1, NM_001379049.1 and 1 more transcripts); c.2653+27654C>T (NM_014010.5); c.2794+27654C>T (NM_001365069.1); c.2806+27654C>T (NM_001365068.1).
Identifiers: ClinVar variation 1089488 (VCV001089488.32), dbSNP rs780765510, ClinGen allele CA5210958.
Genomic context (GRCh38, chr9:116,698,117, plus strand): 5'-GCGTCTGCCCCGGCAATTCTGCCGGAGCTGTGGTTTGGTGTTATGTGAGCCCTGCCGGGA[G>A]GCAGACCATCAGCCTCCTGGCCACTGTACACTCCCTGTCAAAGAAGCAGCTGAGGAGCGG-3'
Protein context (NP_036342.2, residues 115-135): CGLVLCEPCR[Glu125=]ADHQPPGHCT